The following is an entry in ClinVar:

NM_000492.4(CFTR):c.728T>C (p.Met243Thr)

Gene: CFTR (CF transmembrane conductance regulator; plus strand). Cytogenetic location: 7q31.2.
Variant type: single nucleotide variant.
Coding change: c.728T>C on transcript NM_000492.4 (MANE Select); coding-DNA position 728, T replaced by C.
Protein change: p.Met243Thr; replaces methionine 243 with threonine.
Molecular consequence: missense variant.
Genome position (GRCh38, 1-based): chr7:117,535,396, T>C. VCF-style: chr7-117535396-T-C. GRCh37 (hg19) VCF-style: chr7-117175450-T-C.
Other names: short protein forms M243T.
Identifiers: ClinVar variation 1758105 (VCV001758105.2), dbSNP rs751401915, ClinGen allele CA4450811.
Genomic context (GRCh38, chr7:117,535,396, plus strand): 5'-CCTTCTGTGGACTTGGTTTCCTGATAGTCCTTGCCCTTTTTCAGGCTGGGCTAGGGAGAA[T>C]GATGATGAAGTACAGGTAGCAACCTATTTTCATAACTTGAAAGTTTTAAAAATTATGTTT-3'
Protein context (NP_000483.3, residues 233-253): LALFQAGLGR[Met243Thr]MMKYRDQRAG

ClinVar aggregate classification (germline): Uncertain significance (1 of 4 stars; one submission).

Conditions:
Cystic fibrosis (CF). Also called: MUCOVISCIDOSIS. Identifiers: Orphanet 586, MedGen C0010674, MONDO:0009061, OMIM 219700. Disease mechanism: loss of function.

Allele frequency attached by ClinVar (database versions not stated): ExAC 0.00002; gnomAD exomes 0.00001; gnomAD 0.00001.
gnomAD v4.1: 9 of 1,613,984 alleles (0.00056%); no homozygotes.

Submission:

Ambry Genetics
Classification: Uncertain significance for Cystic fibrosis. Last evaluated: 2018-03-13. Review status: criteria provided, single submitter. Criteria: Ambry Variant Classification Scheme 2023. Collection method: clinical testing. Allele origin: germline.
Comment: The p.M243T variant (also known as c.728T>C), located in coding exon 6 of the CFTR gene, results from a T to C substitution at nucleotide position 728. The methionine at codon 243 is replaced by threonine, an amino acid with similar properties. This amino acid position is highly conserved in available mammals. In addition, the in silico prediction for this alteration is inconclusive. Since supporting evidence is limited at this time, the clinical significance of this alteration remains unclear.